The following is an entry in ClinVar:

NM_004168.4(SDHA):c.1693A>T (p.Thr565Ser)

Gene: SDHA (succinate dehydrogenase complex flavoprotein subunit A; plus strand). Cytogenetic location: 5p15.33.
Variant type: single nucleotide variant.
Coding change: c.1693A>T on transcript NM_004168.4 (MANE Select); coding-DNA position 1693, A replaced by T.
Protein change: p.Thr565Ser; replaces threonine 565 with serine.
Molecular consequence: missense variant. On other transcripts: intron variant (1).
Genome position (GRCh38, 1-based): chr5:251,367, A>T. VCF-style: chr5-251367-A-T. GRCh37 (hg19) VCF-style: chr5-251482-A-T.
Other names: c.1549A>T, p.Thr517Ser (NM_001294332.2); c.1552-3026A>T (NM_001330758.2); short protein forms T517S, T565S.
Identifiers: ClinVar variation 3754209 (VCV003754209.6).

ClinVar aggregate classification (germline): Uncertain significance. Review status: criteria provided, multiple submitters, no conflicts (2 of 4 stars). 2 submissions from 2 submitters: Uncertain significance (2). Last evaluated 2026-03-01.

Conditions:
Mitochondrial complex II deficiency, nuclear type 1. Also called: SUCCINATE CoQ REDUCTASE DEFICIENCY. Identifiers: Orphanet 3208, MedGen C5700310, MONDO:0100294, OMIM 252011.
Pheochromocytoma/paraganglioma syndrome 5. Also called: Paragangliomas 5; SDHA-Related Hereditary Paraganglioma-Pheochromocytoma Syndrome. Identifiers: Orphanet 29072, MedGen C3279992, MONDO:0013602, OMIM 614165.

Submissions (2):

CeGaT Center for Human Genetics Tuebingen
Classification: Uncertain significance. Last evaluated: 2026-03-01. Review status: criteria provided, single submitter. Criteria: CeGaT Center For Human Genetics Tuebingen Variant Classification Criteria Version 2. Collection method: clinical testing. Allele origin: germline. Affected: yes. Observed: 1 variant allele.
Comment: SDHA: PM2

Labcorp Genetics (formerly Invitae), Labcorp
Classification: Uncertain significance for Pheochromocytoma/paraganglioma syndrome 5; Mitochondrial complex II deficiency, nuclear type 1. Last evaluated: 2024-05-31. Review status: criteria provided, single submitter. Criteria: Invitae Variant Classification Sherloc (09022015). Collection method: clinical testing. Allele origin: germline.
Comment: This sequence change replaces threonine, which is neutral and polar, with serine, which is neutral and polar, at codon 565 of the SDHA protein (p.Thr565Ser). This variant is not present in population databases (gnomAD no frequency). This variant has not been reported in the literature in individuals affected with SDHA-related conditions. Advanced modeling of protein sequence and biophysical properties (such as structural, functional, and spatial information, amino acid conservation, physicochemical variation, residue mobility, and thermodynamic stability) performed at Invitae indicates that this missense variant is not expected to disrupt SDHA protein function with a negative predictive value of 95%. In summary, the available evidence is currently insufficient to determine the role of this variant in disease. Therefore, it has been classified as a Variant of Uncertain Significance.